The following is an entry in ClinVar:

NM_002500.5(NEUROD1):c.841G>T (p.Gly281Cys)

Gene: NEUROD1 (neuronal differentiation 1; minus strand). Cytogenetic location: 2q31.3.
Variant type: single nucleotide variant.
Coding change: c.841G>T on transcript NM_002500.5 (MANE Select); coding-DNA position 841, G replaced by T.
Protein change: p.Gly281Cys; replaces glycine 281 with cysteine.
Molecular consequence: missense variant.
Genome position (GRCh38, 1-based): chr2:181,678,020, C>A on the plus strand (G>T on the coding strand, the complement: NEUROD1 is on the minus strand). VCF-style: chr2-181678020-C-A. GRCh37 (hg19) VCF-style: chr2-182542747-C-A.
Other names: short protein forms G281C.
Identifiers: ClinVar variation 896249 (VCV000896249.12), dbSNP rs1284904822, ClinGen allele CA349782861.

ClinVar aggregate classification (germline): Uncertain significance. Review status: criteria provided, multiple submitters, no conflicts (2 of 4 stars). 2 submissions from 2 submitters: Uncertain significance (2). Last evaluated 2022-09-07.

Conditions:
Maturity-onset diabetes of the young type 6 (MODY6). Identifiers: Orphanet 552, MedGen C1853371, MONDO:0011668, OMIM 606394.

Allele frequency attached by ClinVar (database versions not stated): gnomAD exomes below 0.00001; TOPMed below 0.00001; gnomAD 0.00001.
gnomAD v4.1: 5 of 1,614,056 alleles (0.00031%); highest among the groups gnomAD compares: Non-Finnish European, 0.00034%; no homozygotes.

Submissions (2):

Labcorp Genetics (formerly Invitae), Labcorp
Classification: Uncertain significance. Last evaluated: 2022-09-07. Review status: criteria provided, single submitter. Criteria: Invitae Variant Classification Sherloc (09022015). Collection method: clinical testing. Allele origin: germline.
Comment: This variant is present in population databases (no rsID available, gnomAD 0.0009%). This sequence change replaces glycine, which is neutral and non-polar, with cysteine, which is neutral and slightly polar, at codon 281 of the NEUROD1 protein (p.Gly281Cys). This variant has not been reported in the literature in individuals affected with NEUROD1-related conditions. ClinVar contains an entry for this variant (Variation ID: 896249). Algorithms developed to predict the effect of missense changes on protein structure and function (SIFT, PolyPhen-2, Align-GVGD) all suggest that this variant is likely to be disruptive. In summary, the available evidence is currently insufficient to determine the role of this variant in disease. Therefore, it has been classified as a Variant of Uncertain Significance.

Illumina Laboratory Services, Illumina
Classification: Uncertain significance for Maturity-onset diabetes of the young type 6. Last evaluated: 2018-01-12. Review status: criteria provided, single submitter. Criteria: ICSL Variant Classification Criteria 13 December 2019. Collection method: clinical testing. Allele origin: germline.